The following is an entry in ClinVar:

ClinVar aggregate classification (germline): Pathogenic. Review status: criteria provided, single submitter (1 of 4 stars). 3 submissions from 3 submitters: Pathogenic (1). 2 of the submissions do not count toward it. Last evaluated 2023-09-20.

Conditions:
Nemaline myopathy 5B, autosomal recessive, childhood-onset (NEM5B). Identifiers: MedGen C5830545, MONDO:0957281, OMIM 620386.
TNNT1-related disorder. Also called: TNNT1-related condition.

Allele frequency attached by ClinVar (database versions not stated): gnomAD exomes 0.00002.

Submissions (3):

Blueprint Genetics
Classification: Pathogenic for TNNT1-related disorders. Last evaluated: 2023-09-20. Review status: criteria provided, single submitter. Criteria: ACMG Guidelines, 2015. Collection method: clinical testing. Allele origin: germline. Affected: yes. Observed: 1 variant allele.

PreventionGenetics, part of Exact Sciences
Classification: Likely pathogenic for TNNT1-related condition. Last evaluated: 2024-07-05. Review status: no assertion criteria provided. Collection method: clinical testing. Allele origin: germline. Not counted in ClinVar's aggregate classification.
Comment: The TNNT1 c.287T>C variant is predicted to result in the amino acid substitution p.Leu96Pro. This variant was reported in the homozygous state in four French Canadian individuals with childhood-onset cone-rod myopathy (Pellerin et al. 2020. PubMed ID: 31970803). Functional modelling of the variant via co-immunoprecipitation revealed significantly disrupted protein-interaction with tropomyosin 3 (TPM3, Holling et al. 2022. PubMed ID: 35510366). This variant is reported in 0.00088% of alleles in individuals of European (Non-Finnish) descent in gnomAD. Given the evidence, we interpret this variant as likely pathogenic.

OMIM
Classification: Pathogenic for NEMALINE MYOPATHY 5B, AUTOSOMAL RECESSIVE, CHILDHOOD-ONSET. Last evaluated: 2023-05-31. Review status: no assertion criteria provided. Collection method: literature only. Allele origin: germline. Not counted in ClinVar's aggregate classification.

Literature cited by the submitters: PubMed 31970803 (cited by OMIM); PubMed 35510366 (cited by OMIM).

NM_003283.6(TNNT1):c.287T>C (p.Leu96Pro)

Gene: TNNT1 (troponin T1, slow skeletal type; minus strand). Cytogenetic location: 19q13.42.
Variant type: single nucleotide variant.
Coding change: c.287T>C on transcript NM_003283.6 (MANE Select); coding-DNA position 287, T replaced by C.
Protein change: p.Leu96Pro; replaces leucine 96 with proline.
Molecular consequence: missense variant.
Genome position (GRCh38, 1-based): chr19:55,141,208, A>G on the plus strand (T>C on the coding strand, the complement: TNNT1 is on the minus strand). VCF-style: chr19-55141208-A-G. GRCh37 (hg19) VCF-style: chr19-55652576-A-G.
Other names: c.287T>C (NM_003283.5); c.287T>C, p.Leu96Pro (NM_001126132.3); c.254T>C, p.Leu85Pro (NM_001126133.3, NM_001291774.2); short protein forms L96P, L85P.
Identifiers: ClinVar variation 2503498 (VCV002503498.3), dbSNP rs199701688, ClinGen allele CA310135020.
Genomic context (GRCh38, chr19:55,141,208, plus strand): 5'-GGGAGGAAGACCGGGGGGAACCCGGACTCTCGGCTCACAATGCGCTCCTTCAAGGCAACC[A>G]GCTCCTCTTCCTCCTTCTTCCGCTGCTCGAAATGTACATCGATGAGTGTCTGCAGCTCCA-3'
Protein context (NP_003274.3, residues 86-106): FEQRKKEEEE[Leu96Pro]VALKERIERR